The following is an entry in ClinVar:

ClinVar aggregate classification (germline): Likely pathogenic (1 of 4 stars; one submission).

Conditions:
Brain small vessel disease 2A, autosomal dominant. Also called: Porencephaly 2. Identifiers: Orphanet 2940, Orphanet 99810, MedGen C3280970, MONDO:0013773, OMIM 614483.

Allele frequency attached by ClinVar (database versions not stated): gnomAD exomes below 0.00001.
gnomAD v4.1: 1 of 1,613,616 alleles (0.000062%); highest among the groups gnomAD compares: Non-Finnish European, 0.000085%; no homozygotes.

Submission:

Breda Genetics srl
Classification: Likely pathogenic for Brain small vessel disease 2A, autosomal dominant. Last evaluated: 2022-09-21. Review status: criteria provided, single submitter. Criteria: ACMG Guidelines, 2015. Collection method: clinical testing. Allele origin: paternal. Inheritance: Autosomal dominant inheritance. Affected: yes. Observed: 1 variant allele, 1 heterozygote.
Comment: The variant in c.4183C>T (p.Gln1395*) in the COL4A2 gene creates a premature stop codon at amino acid position Gln1395 which is likely to result in a truncated protein or protein loss due to nonsense-mediated messenger decay (NMD). This variant has not been reported in dbSNP, gnomAD, 1000 Genomes Project or ClinVar.

NM_001846.4(COL4A2):c.4183C>T (p.Gln1395Ter)

Genes: COL4A2 (collagen type IV alpha 2 chain; plus strand), COL4A2-AS1 (COL4A2 antisense RNA 1; minus strand). Cytogenetic location: 13q34.
Variant type: single nucleotide variant.
Coding change: c.4183C>T on transcript NM_001846.4 (MANE Select); coding-DNA position 4183, C replaced by T.
Protein change: p.Gln1395Ter; replaces glutamine 1395 with a stop codon.
Molecular consequence: nonsense.
Genome position (GRCh38, 1-based): chr13:110,503,891, C>T. VCF-style: chr13-110503891-C-T. GRCh37 (hg19) VCF-style: chr13-111156238-C-T.
Other names: short protein forms Q1395*.
Identifiers: ClinVar variation 1713186 (VCV001713186.1), dbSNP rs2502206494, ClinGen allele CA388737513.